The following is an entry in ClinVar:

ClinVar aggregate classification (germline): Likely benign (0 of 4 stars; one submission).

Conditions:
UPB1-related disorder. Also called: UPB1-related condition.

Allele frequency attached by ClinVar (database versions not stated): 1000 Genomes Project 30x 0.00031; 1000 Genomes Project 0.00040.
gnomAD v4.1: 60 of 1,614,186 alleles (0.0037%); highest among the groups gnomAD compares: African/African-American, 0.069%; no homozygotes.

Submission:

PreventionGenetics, part of Exact Sciences
Classification: Likely benign for UPB1-related condition. Last evaluated: 2019-04-23. Review status: no assertion criteria provided. Collection method: clinical testing. Allele origin: germline.
Comment: This variant is classified as likely benign based on ACMG/AMP sequence variant interpretation guidelines (Richards et al. 2015 PMID: 25741868, with internal and published modifications).

NM_016327.3(UPB1):c.*2C>A

Genes: UPB1 (beta-ureidopropionase 1; plus strand), LOC130067121 (ATAC-STARR-seq lymphoblastoid active region 18778; plus strand). Cytogenetic location: 22q11.23.
Variant type: single nucleotide variant.
Coding change: c.*2C>A on transcript NM_016327.3 (MANE Select); 2 bases downstream of the stop codon, C replaced by A.
Molecular consequence: 3 prime UTR variant.
Genome position (GRCh38, 1-based): chr22:24,525,796, C>A. VCF-style: chr22-24525796-C-A. GRCh37 (hg19) VCF-style: chr22-24921764-C-A.
Identifiers: ClinVar variation 3051200 (VCV003051200.2), dbSNP rs142696447, ClinGen allele CA10153504.
Genomic context (GRCh38, chr22:24,525,796, plus strand): 5'-CACGGGAGCTCGCCGAAGCTGTCAAGTCCAACTACAGCCCCACCATCGTGAAAGAGTAGC[C>A]GGCTTCAGTGCCTGCCTTGGGGTGAGGAAGACACCTCTGCCCCAGTGGATTAGCAAGTGT-3'